The following is an entry in ClinVar:

NM_172364.5(CACNA2D4):c.1117G>A (p.Val373Met)

Gene: CACNA2D4 (calcium voltage-gated channel auxiliary subunit alpha2delta 4; minus strand). Cytogenetic location: 12p13.33.
Variant type: single nucleotide variant.
Coding change: c.1117G>A on transcript NM_172364.5 (MANE Select); coding-DNA position 1117, G replaced by A.
Protein change: p.Val373Met; replaces valine 373 with methionine.
Molecular consequence: missense variant.
Genome position (GRCh38, 1-based): chr12:1,885,028, C>T on the plus strand (G>A on the coding strand, the complement: CACNA2D4 is on the minus strand). VCF-style: chr12-1885028-C-T. GRCh37 (hg19) VCF-style: chr12-1994194-C-T.
Other names: c.1117G>A (NM_172364.4); short protein forms V373M.
Identifiers: ClinVar variation 1002842 (VCV001002842.10), dbSNP rs377642699, ClinGen allele CA6387275.

ClinVar aggregate classification (germline): Uncertain significance. Review status: criteria provided, multiple submitters, no conflicts (2 of 4 stars). 3 submissions from 3 submitters: Uncertain significance (3). Last evaluated 2025-12-08.

Conditions:
Inborn genetic diseases. Identifiers: MedGen C0950123, MeSH D030342.

Allele frequency attached by ClinVar (database versions not stated): gnomAD 0.00002; ExAC 0.00004; TOPMed 0.00008; ESP Exome Variant Server 0.00016.
gnomAD v4.1: 75 of 1,613,820 alleles (0.0046%); highest among the groups gnomAD compares: Admixed American, 0.017%; no homozygotes.

Submissions (3):

Labcorp Genetics (formerly Invitae), Labcorp
Classification: Uncertain significance. Last evaluated: 2025-12-08. Review status: criteria provided, single submitter. Criteria: Invitae Variant Classification Sherloc (09022015). Collection method: clinical testing. Allele origin: germline.
Comment: This sequence change replaces valine, which is neutral and non-polar, with methionine, which is neutral and non-polar, at codon 373 of the CACNA2D4 protein (p.Val373Met). This variant is present in population databases (rs377642699, gnomAD 0.02%). This variant has not been reported in the literature in individuals affected with CACNA2D4-related conditions. ClinVar contains an entry for this variant (Variation ID: 1002842). An algorithm developed to predict the effect of missense changes on protein structure and function (PolyPhen-2) suggests that this variant is likely to be tolerated. In summary, the available evidence is currently insufficient to determine the role of this variant in disease. Therefore, it has been classified as a Variant of Uncertain Significance.

Ambry Genetics
Classification: Uncertain significance for Inborn genetic diseases. Last evaluated: 2025-01-01. Review status: criteria provided, single submitter. Criteria: Ambry Variant Classification Scheme 2023. Collection method: clinical testing. Allele origin: germline.

Blueprint Genetics
Classification: Uncertain significance. Last evaluated: 2023-11-01. Review status: criteria provided, single submitter. Criteria: ACMG Guidelines, 2015. Collection method: clinical testing. Allele origin: germline.